The following is an entry in ClinVar:

NM_005876.5(SPEG):c.9033C>T (p.Tyr3011=)

Genes: ASIC4-AS1 (ASIC4 antisense RNA 1; minus strand), SPEG (striated muscle enriched protein kinase; plus strand). Cytogenetic location: 2q35.
Variant type: single nucleotide variant.
Coding change: c.9033C>T on transcript NM_005876.5 (MANE Select); coding-DNA position 9033, C replaced by T.
Protein change: p.Tyr3011=; no amino-acid change (tyrosine 3011 retained).
Molecular consequence: synonymous variant.
Genome position (GRCh38, 1-based): chr2:219,490,520, C>T. VCF-style: chr2-219490520-C-T. GRCh37 (hg19) VCF-style: chr2-220355242-C-T.
Other names: c.9033C>T (NM_005876.4).
Identifiers: ClinVar variation 1644485 (VCV001644485.36), dbSNP rs371546535, ClinGen allele CA2127653.

ClinVar aggregate classification (germline): Likely benign. Review status: criteria provided, multiple submitters, no conflicts (2 of 4 stars). 5 submissions from 5 submitters: Likely benign (4). 1 of the submissions does not count toward it. Last evaluated 2026-04-01.

Conditions:
SPEG-related disorder. Also called: SPEG-related condition.

Allele frequency attached by ClinVar (database versions not stated): gnomAD exomes 0.00059 and 0.00080; TOPMed 0.00068; gnomAD 0.00075 and 0.00080; ExAC 0.00092; ESP Exome Variant Server 0.00142.
gnomAD v4.1: 965 of 1,612,600 alleles (0.06%); highest among the groups gnomAD compares: Non-Finnish European, 0.075%; 3 homozygotes.

Submissions (5):

CeGaT Center for Human Genetics Tuebingen
Classification: Likely benign. Last evaluated: 2026-04-01. Review status: criteria provided, single submitter. Criteria: CeGaT Center For Human Genetics Tuebingen Variant Classification Criteria Version 2. Collection method: clinical testing. Allele origin: germline. Affected: yes. Observed: 10 variant alleles.
Comment: SPEG: BP4, BP7

Labcorp Genetics (formerly Invitae), Labcorp
Classification: Likely benign. Last evaluated: 2026-01-25. Review status: criteria provided, single submitter. Criteria: Invitae Variant Classification Sherloc (09022015). Collection method: clinical testing. Allele origin: germline.

Laboratory of Genetics, Children's Clinical University Hospital Latvia
Classification: Likely benign. Last evaluated: 2025-02-16. Review status: criteria provided, single submitter. Criteria: ACMG Guidelines, 2015. Collection method: clinical testing. Allele origin: germline. Affected: yes.

Blueprint Genetics
Classification: Likely benign. Last evaluated: 2024-11-22. Review status: criteria provided, single submitter. Criteria: ACMG Guidelines, 2015. Collection method: clinical testing. Allele origin: germline.

PreventionGenetics, part of Exact Sciences
Classification: Likely benign for SPEG-related condition. Last evaluated: 2019-09-23. Review status: no assertion criteria provided. Collection method: clinical testing. Allele origin: germline. Not counted in ClinVar's aggregate classification.
Comment: This variant is classified as likely benign based on ACMG/AMP sequence variant interpretation guidelines (Richards et al. 2015 PMID: 25741868, with internal and published modifications).